The following is an entry in ClinVar:

ClinVar aggregate classification (germline): Benign. Review status: criteria provided, multiple submitters, no conflicts (2 of 4 stars). 3 submissions from 3 submitters: Benign (2). 1 of the submissions does not count toward it. Last evaluated 2026-02-03.

Conditions:
MCM5-related disorder. Also called: MCM5-related condition.

Allele frequency attached by ClinVar (database versions not stated): TOPMed 0.11300; 1000 Genomes Project 30x 0.13132; 1000 Genomes Project 0.13199; gnomAD exomes 0.08395; gnomAD 0.11418; ESP Exome Variant Server 0.11579.
gnomAD v4.1: 140,028 of 1,610,948 alleles (8.7%); highest among the groups gnomAD compares: African/African-American, 21%; 7,238 homozygotes.

Submissions (3):

Labcorp Genetics (formerly Invitae), Labcorp
Classification: Benign. Last evaluated: 2026-02-03. Review status: criteria provided, single submitter. Criteria: Invitae Variant Classification Sherloc (09022015). Collection method: clinical testing. Allele origin: germline.

Breakthrough Genomics
Classification: Benign. Review status: criteria provided, single submitter. Criteria: ACMG Guidelines, 2015. Collection method: not provided. Allele origin: germline. Inheritance: Autosomal recessive inheritance. Affected: yes.

PreventionGenetics, part of Exact Sciences
Classification: Benign for MCM5-related condition. Last evaluated: 2019-11-26. Review status: no assertion criteria provided. Collection method: clinical testing. Allele origin: germline. Not counted in ClinVar's aggregate classification.
Comment: This variant is classified as benign based on ACMG/AMP sequence variant interpretation guidelines (Richards et al. 2015 PMID: 25741868, with internal and published modifications).

NM_006739.4(MCM5):c.1707G>A (p.Lys569=)

Gene: MCM5 (minichromosome maintenance complex component 5; plus strand). Cytogenetic location: 22q12.3.
Variant type: single nucleotide variant.
Coding change: c.1707G>A on transcript NM_006739.4 (MANE Select); coding-DNA position 1707, G replaced by A.
Protein change: p.Lys569=; no amino-acid change (lysine 569 retained).
Molecular consequence: synonymous variant.
Genome position (GRCh38, 1-based): chr22:35,419,887, G>A. VCF-style: chr22-35419887-G-A. GRCh37 (hg19) VCF-style: chr22-35815880-G-A.
Other names: c.1707G>A (NM_006739.3).
Identifiers: ClinVar variation 1648171 (VCV001648171.11), dbSNP rs133427, ClinGen allele CA10205487.